The following is an entry in ClinVar:

NM_139058.3(ARX):c.773C>A (p.Ala258Glu)

Gene: ARX (aristaless related homeobox; minus strand). Cytogenetic location: Xp21.3.
Variant type: single nucleotide variant.
Coding change: c.773C>A on transcript NM_139058.3 (MANE Select); coding-DNA position 773, C replaced by A.
Protein change: p.Ala258Glu; replaces alanine 258 with glutamic acid.
Molecular consequence: missense variant.
Genome position (GRCh38, 1-based): chrX:25,013,222, G>T on the plus strand (C>A on the coding strand, the complement: ARX is on the minus strand). VCF-style: chrX-25013222-G-T. GRCh37 (hg19) VCF-style: chrX-25031339-G-T.
Other names: c.773C>A (NM_139058.2); short protein forms A258E.
Identifiers: ClinVar variation 1444341 (VCV001444341.4), dbSNP rs759399062, ClinGen allele CA412612453.

ClinVar aggregate classification (germline): Uncertain significance. Review status: criteria provided, multiple submitters, no conflicts (2 of 4 stars). 2 submissions from 2 submitters: Uncertain significance (2). Last evaluated 2025-08-28.

Conditions:
Intellectual disability, X-linked, with or without seizures, ARX-related. Also called: MENTAL RETARDATION, X-LINKED 29; MENTAL RETARDATION, X-LINKED 32; MENTAL RETARDATION, X-LINKED 33; MENTAL RETARDATION, X-LINKED 38; MENTAL RETARDATION, X-LINKED 43; MENTAL RETARDATION, X-LINKED 76. Identifiers: Orphanet 777, MedGen C0796244, MONDO:0010317, OMIM 300419.
Developmental and epileptic encephalopathy, 1 (DEE1). Also called: Epileptic encephalopathy, early infantile, 1; Tonic spasms with clustering, arrest of psychomotor development and hypsarrhythmia on EEG; X-Linked Infantile Spasm Syndrome; X-linked infantile spasms; West's syndrome; OHTAHARA SYNDROME, X-LINKED. Identifiers: MedGen C3463992, MONDO:0010632, OMIM 308350. Disease mechanism: loss of function.
Inborn genetic diseases. Identifiers: MedGen C0950123, MeSH D030342.

Submissions (2):

Ambry Genetics
Classification: Uncertain significance for Inborn genetic diseases. Last evaluated: 2025-08-28. Review status: criteria provided, single submitter. Criteria: Ambry Variant Classification Scheme 2023. Collection method: clinical testing. Allele origin: germline.

Labcorp Genetics (formerly Invitae), Labcorp
Classification: Uncertain significance for Developmental and epileptic encephalopathy, 1; Intellectual disability, X-linked, with or without seizures, ARX-related. Last evaluated: 2021-10-03. Review status: criteria provided, single submitter. Criteria: Invitae Variant Classification Sherloc (09022015). Collection method: clinical testing. Allele origin: germline.
Comment: This sequence change replaces alanine with glutamic acid at codon 258 of the ARX protein (p.Ala258Glu). The alanine residue is weakly conserved and there is a moderate physicochemical difference between alanine and glutamic acid. The frequency data for this variant in the population databases is considered unreliable, as metrics indicate insufficient coverage at this position in the ExAC database. This variant has not been reported in the literature in individuals affected with ARX-related conditions. Advanced modeling of protein sequence and biophysical properties (such as structural, functional, and spatial information, amino acid conservation, physicochemical variation, residue mobility, and thermodynamic stability) performed at Invitae indicates that this missense variant is not expected to disrupt ARX protein function. In summary, the available evidence is currently insufficient to determine the role of this variant in disease. Therefore, it has been classified as a Variant of Uncertain Significance.